The following is an entry in ClinVar:

NM_004281.4(BAG3):c.1634C>G (p.Pro545Arg)

Gene: BAG3 (BAG cochaperone 3; plus strand). Cytogenetic location: 10q26.11.
Variant type: single nucleotide variant.
Coding change: c.1634C>G on transcript NM_004281.4 (MANE Select); coding-DNA position 1634, C replaced by G.
Protein change: p.Pro545Arg; replaces proline 545 with arginine.
Molecular consequence: missense variant.
Genome position (GRCh38, 1-based): chr10:119,677,188, C>G. VCF-style: chr10-119677188-C-G. GRCh37 (hg19) VCF-style: chr10-121436700-C-G.
Other names: short protein forms P545R.
Identifiers: ClinVar variation 298963 (VCV000298963.51), dbSNP rs759348679, ClinGen allele CA5716587.

ClinVar aggregate classification (germline): Conflicting classifications of pathogenicity. Review status: criteria provided, conflicting classifications (1 of 4 stars). 9 submissions from 8 submitters: Uncertain significance (5); Benign (1); Likely benign (3). Last evaluated 2026-09-01.

Conditions:
Cardiovascular phenotype. Identifiers: MedGen CN230736.
Dilated cardiomyopathy 1HH (CMD1HH). Identifiers: Orphanet 154, MedGen C3151293, MONDO:0013479, OMIM 613881.
Myofibrillar myopathy 6. Identifiers: Orphanet 199340, MedGen C2751831, MONDO:0013061, OMIM 612954.
Primary dilated cardiomyopathy (DCM). Also called: Dilated Cardiomyopathy. Identifiers: Orphanet 217604, MedGen C0007193, MeSH D002311, MONDO:0005021, HP:0001644. Inheritance: Various modes of inheritance.

Allele frequency attached by ClinVar (database versions not stated): gnomAD exomes 0.00010 and 0.00023; TOPMed 0.00010; gnomAD 0.00013 and 0.00014; ExAC 0.00014.

Submissions (9):

CeGaT Center for Human Genetics Tuebingen
Classification: Likely benign. Last evaluated: 2026-09-01. Review status: criteria provided, single submitter. Criteria: CeGaT Center For Human Genetics Tuebingen Variant Classification Criteria Version 2. Collection method: clinical testing. Allele origin: germline. Affected: yes. Observed: 5 variant alleles.
Comment: BAG3: BP4

Labcorp Genetics (formerly Invitae), Labcorp
Classification: Uncertain significance for Dilated cardiomyopathy 1HH; Myofibrillar myopathy 6. Last evaluated: 2026-01-26. Review status: criteria provided, single submitter. Criteria: Invitae Variant Classification Sherloc (09022015). Collection method: clinical testing. Allele origin: germline.
Comment: This sequence change replaces proline, which is neutral and non-polar, with arginine, which is basic and polar, at codon 545 of the BAG3 protein (p.Pro545Arg). This variant is present in population databases (rs759348679, gnomAD 0.02%), and has an allele count higher than expected for a pathogenic variant. This variant has not been reported in the literature in individuals affected with BAG3-related conditions. ClinVar contains an entry for this variant (Variation ID: 298963). Invitae Evidence Modeling of protein sequence and biophysical properties (such as structural, functional, and spatial information, amino acid conservation, physicochemical variation, residue mobility, and thermodynamic stability) indicates that this missense variant is not expected to disrupt BAG3 protein function with a negative predictive value of 80%. In summary, the available evidence is currently insufficient to determine the role of this variant in disease. Therefore, it has been classified as a Variant of Uncertain Significance.

Ambry Genetics
Classification: Uncertain significance for Cardiovascular phenotype. Last evaluated: 2025-01-15. Review status: criteria provided, single submitter. Criteria: Ambry Variant Classification Scheme 2023. Collection method: clinical testing. Allele origin: germline.
Comment: The p.P545R variant (also known as c.1634C>G), located in coding exon 4 of the BAG3 gene, results from a C to G substitution at nucleotide position 1634. The proline at codon 545 is replaced by arginine, an amino acid with dissimilar properties. This alteration has been reported in association with cardiomyopathy (d'Avenia M et al. Cell Death Dis, 2015 Oct;6:e1948; K&uuml;hnisch J et al. Clin Genet, 2019 12;96:549-559). This amino acid position is not well conserved in available vertebrate species. In addition, this alteration is predicted to be tolerated by in silico analysis. Since supporting evidence is limited at this time, the clinical significance of this alteration remains unclear.

Blueprint Genetics
Classification: Likely benign. Last evaluated: 2024-09-06. Review status: criteria provided, single submitter. Criteria: ACMG Guidelines, 2015. Collection method: clinical testing. Allele origin: germline.

Revvity Omics, Revvity
Classification: Uncertain significance. Last evaluated: 2022-10-12. Review status: criteria provided, single submitter. Criteria: ACMG Guidelines, 2015. Collection method: clinical testing. Allele origin: germline.

GeneDx
Classification: Likely benign. Last evaluated: 2020-10-07. Review status: criteria provided, single submitter. Criteria: GeneDx Variant Classification Process June 2021. Collection method: clinical testing. Allele origin: germline. Affected: yes.
Comment: This variant is associated with the following publications: (PMID: 31568572, 31333075)

Klaassen Lab, Charite University Medicine Berlin
Classification: Uncertain significance for Primary dilated cardiomyopathy. Last evaluated: 2019-07-03. Review status: criteria provided, single submitter. Criteria: ACMG Guidelines, 2015. Collection method: research. Allele origin: germline. Affected: yes.

Illumina Laboratory Services, Illumina
Classification: Benign for Myofibrillar myopathy 6. Last evaluated: 2018-01-13. Review status: criteria provided, single submitter. Criteria: ICSL Variant Classification Criteria 13 December 2019. Collection method: clinical testing. Allele origin: germline.
Comment: This variant was observed in the ICSL laboratory as part of a predisposition screen in an ostensibly healthy population. It had not been previously curated by ICSL or reported in the Human Gene Mutation Database (HGMD: prior to June 1st, 2018), and was therefore a candidate for classification through an automated scoring system. Utilizing variant allele frequency, disease prevalence and penetrance estimates, and inheritance mode, an automated score was calculated to assess if this variant is too frequent to cause the disease. Based on the score and internal cut-off values, a variant classified as benign is not then subjected to further curation. The score for this variant resulted in a classification of benign for this disease.

Illumina Laboratory Services, Illumina
Classification: Uncertain significance for Dilated cardiomyopathy 1HH. Last evaluated: 2018-01-13. Review status: criteria provided, single submitter. Criteria: ICSL Variant Classification Criteria 13 December 2019. Collection method: clinical testing. Allele origin: germline.

Literature cited by the submitters: PubMed 26512958 (cited by Ambry Genetics); PubMed 31568572 (cited by Ambry Genetics and Klaassen Lab, Charite University Medicine Berlin); PubMed 31333075 (cited by Klaassen Lab, Charite University Medicine Berlin).